The following is an entry in ClinVar:

NM_004304.5(ALK):c.3516-3C>T

Gene: ALK (ALK receptor tyrosine kinase; minus strand). Cytogenetic location: 2p23.2.
Variant type: single nucleotide variant.
Coding change: c.3516-3C>T on transcript NM_004304.5 (MANE Select); 3 bases into the intron before coding-DNA position 3516, C replaced by T.
Molecular consequence: intron variant.
Genome position (GRCh38, 1-based): chr2:29,220,838, G>A on the plus strand (C>T on the coding strand, the complement: ALK is on the minus strand). VCF-style: chr2-29220838-G-A. GRCh37 (hg19) VCF-style: chr2-29443704-G-A.
Other names: c.312-3C>T (NM_001353765.2).
Identifiers: ClinVar variation 572578 (VCV000572578.14), dbSNP rs769293928, ClinGen allele CA1593868.

ClinVar aggregate classification (germline): Uncertain significance. Review status: criteria provided, multiple submitters, no conflicts (2 of 4 stars). 2 submissions from 2 submitters: Uncertain significance (2). Last evaluated 2026-01-27.

Conditions:
Hereditary cancer-predisposing syndrome. Also called: Hereditary neoplastic syndrome; Neoplastic Syndromes, Hereditary; Hereditary Cancer Syndrome; Tumor predisposition. Identifiers: Orphanet 140162, MedGen C0027672, MeSH D009386, MONDO:0015356.
Neuroblastoma, susceptibility to, 3. Also called: ALK-Related Neuroblastic Tumor Susceptibility. Identifiers: Orphanet 635, MedGen C2751681, MONDO:0013083, OMIM 613014.

Allele frequency attached by ClinVar (database versions not stated): gnomAD exomes 0.00001; ExAC 0.00002; TOPMed 0.00005; gnomAD 0.00006.
gnomAD v4.1: 18 of 1,613,958 alleles (0.0011%); highest among the groups gnomAD compares: African/African-American, 0.023%; no homozygotes.

Submissions (2):

Labcorp Genetics (formerly Invitae), Labcorp
Classification: Uncertain significance for Neuroblastoma, susceptibility to, 3. Last evaluated: 2026-01-27. Review status: criteria provided, single submitter. Criteria: Invitae Variant Classification Sherloc (09022015). Collection method: clinical testing. Allele origin: germline.
Comment: This sequence change falls in intron 22 of the ALK gene. It does not directly change the encoded amino acid sequence of the ALK protein. It affects a nucleotide within the consensus splice site. This variant is present in population databases (rs769293928, gnomAD 0.01%). This variant has not been reported in the literature in individuals affected with ALK-related conditions. ClinVar contains an entry for this variant (Variation ID: 572578). Variants that disrupt the consensus splice site are a relatively common cause of aberrant splicing (PMID: 17576681, 9536098). Algorithms developed to predict the effect of sequence changes on RNA splicing suggest that this variant is not likely to affect RNA splicing. In summary, the available evidence is currently insufficient to determine the role of this variant in disease. Therefore, it has been classified as a Variant of Uncertain Significance.

Ambry Genetics
Classification: Uncertain significance for Hereditary cancer-predisposing syndrome. Last evaluated: 2023-12-27. Review status: criteria provided, single submitter. Criteria: Ambry Variant Classification Scheme 2023. Collection method: clinical testing. Allele origin: germline.
Comment: The c.3516-3C>T intronic variant results from a C to T substitution 3 nucleotides upstream from coding exon 23 in the ALK gene. This nucleotide position is well conserved in available vertebrate species. In silico splice site analysis predicts that this alteration will not have any significant effect on splicing. Since supporting evidence is limited at this time, the clinical significance of this alteration remains unclear.

Literature cited by the submitters: PubMed 17576681 (cited by Labcorp Genetics (formerly Invitae), Labcorp); PubMed 9536098 (cited by Labcorp Genetics (formerly Invitae), Labcorp).